The following is an entry in ClinVar:

NM_000540.3(RYR1):c.3178+587A>G

Gene: RYR1 (ryanodine receptor 1; plus strand). Cytogenetic location: 19q13.2.
Variant type: single nucleotide variant.
Coding change: c.3178+587A>G on transcript NM_000540.3 (MANE Select); 587 bases into the intron after coding-DNA position 3178, A replaced by G.
Molecular consequence: intron variant.
Genome position (GRCh38, 1-based): chr19:38,466,985, A>G. VCF-style: chr19-38466985-A-G. GRCh37 (hg19) VCF-style: chr19-38957625-A-G.
Other names: NM_001042723.2:c.3178+587A>G; c.3178+587A>G (NM_001042723.2).
Identifiers: ClinVar variation 2674604 (VCV002674604.1), dbSNP rs556749534, ClinGen allele CA308076590.
Genomic context (GRCh38, chr19:38,466,985, plus strand): 5'-CCTGACGCCAGCCCTGCCTGGGCTATGACTGCAAACCAGAGCCGTCAGCCTAGGAACCCA[A>G]TGAGTGCCAACCCCACCTTTGACTCTGATTCCTGACCTCTAGCTTTGATCCCTAATCACT-3'

ClinVar aggregate classification (germline): Likely pathogenic (1 of 4 stars; one submission).

Conditions:
RYR1-related myopathy. Identifiers: Orphanet 98742, MedGen CN305348, MONDO:0100150.

Allele frequency attached by ClinVar (database versions not stated): TOPMed 0.00002; gnomAD 0.00004; 1000 Genomes Project 30x 0.00016; 1000 Genomes Project 0.00020.
gnomAD v4.1: 6 of 152,186 alleles (0.0039%); highest among the groups gnomAD compares: Admixed American, 0.013%; no homozygotes.

Submission:

Broad Center for Mendelian Genomics, Broad Institute of MIT and Harvard
Classification: Likely pathogenic for RYR1-related myopathy. Last evaluated: 2023-12-20. Review status: criteria provided, single submitter. Criteria: ACMG Guidelines, 2015. Collection method: curation. Allele origin: germline. Inheritance: Autosomal recessive inheritance. Study: GREGoR Consortium.
Comment: Trio exome and genome analysis revealed that this variant was in trans with the variant. This variant was absent from large population studies. RNAseq analysis performed on affected tissue shows possible evidence of intron retention after exon 24. Computational prediction tools and conservation analyses suggest that this variant may impact the protein, though this information is not predictive enough to determine pathogenicity. In summary, although additional studies are required to fully establish its clinical significance, this variant is likely pathogenic for autosomal recessive RYR1-related myopathy. ACMG/AMP Criteria applied: PS3_moderate, PM2_supporting, PS2_supporting, PP3 (Richards 2015).